The following is an entry in ClinVar:

NM_000070.3(CAPN3):c.239T>C (p.Phe80Ser)

Gene: CAPN3 (calpain 3; plus strand). Cytogenetic location: 15q15.1.
Variant type: single nucleotide variant.
Coding change: c.239T>C on transcript NM_000070.3 (MANE Select); coding-DNA position 239, T replaced by C.
Protein change: p.Phe80Ser; replaces phenylalanine 80 with serine.
Molecular consequence: missense variant.
Genome position (GRCh38, 1-based): chr15:42,360,044, T>C. VCF-style: chr15-42360044-T-C. GRCh37 (hg19) VCF-style: chr15-42652242-T-C.
Other names: c.239T>C, p.Phe80Ser (NM_024344.2, NM_173087.2); short protein forms F80S.
Identifiers: ClinVar variation 284131 (VCV000284131.13), dbSNP rs886042800, ClinGen allele CA10604698.
Genomic context (GRCh38, chr15:42,360,044, plus strand): 5'-CATTCGAGCAACTTCACAAGAAATGTCTAGAAAAGAAAGTTCTTTATGTGGACCCTGAGT[T>C]CCCACCGGATGAGACCTCTCTCTTTTATAGCCAGAAGTTCCCCATCCAGTTCGTCTGGAA-3'
Protein context (NP_000061.1, residues 70-90): EKKVLYVDPE[Phe80Ser]PPDETSLFYS

ClinVar aggregate classification (germline): Uncertain significance. Review status: criteria provided, multiple submitters, no conflicts (2 of 4 stars). 2 submissions from 2 submitters: Uncertain significance (2). Last evaluated 2026-01-23.

Conditions:
Autosomal recessive limb-girdle muscular dystrophy type 2A (LGMDR1). Also called: Calpainopathy; MUSCULAR DYSTROPHY, PELVOFEMORAL; Limb-girdle muscular dystrophy, type 2A; Muscular dystrophy, limb-girdle, type 2A, Amish; LEYDEN-MOEBIUS MUSCULAR DYSTROPHY. Identifiers: Orphanet 267, MedGen C1869123, MONDO:0009675, OMIM 253600. Disease mechanism: loss of function.

Submissions (2):

Labcorp Genetics (formerly Invitae), Labcorp
Classification: Uncertain significance for Autosomal recessive limb-girdle muscular dystrophy type 2A. Last evaluated: 2026-01-23. Review status: criteria provided, single submitter. Criteria: Invitae Variant Classification Sherloc (09022015). Collection method: clinical testing. Allele origin: germline.
Comment: This sequence change replaces phenylalanine, which is neutral and non-polar, with serine, which is neutral and polar, at codon 80 of the CAPN3 protein (p.Phe80Ser). This variant is not present in population databases (gnomAD no frequency). This missense change has been observed in individual(s) with limb–girdle muscular weakness (PMID: 39678382). ClinVar contains an entry for this variant (Variation ID: 284131). Invitae Evidence Modeling of protein sequence and biophysical properties (such as structural, functional, and spatial information, amino acid conservation, physicochemical variation, residue mobility, and thermodynamic stability) indicates that this missense variant is expected to disrupt CAPN3 protein function with a positive predictive value of 80%. In summary, the available evidence is currently insufficient to determine the role of this variant in disease. Therefore, it has been classified as a Variant of Uncertain Significance.

Eurofins Ntd Llc (ga)
Classification: Uncertain significance. Last evaluated: 2015-11-06. Review status: criteria provided, single submitter. Criteria: EGL Classification Definitions 2015. Collection method: clinical testing. Allele origin: germline. Observed: 1 variant allele, 1 heterozygote.

Literature cited by the submitters: PubMed 39678382 (cited by Labcorp Genetics (formerly Invitae), Labcorp).